The following is an entry in ClinVar:

ClinVar aggregate classification (germline): Uncertain significance (1 of 4 stars; one submission).

Conditions:
KMT5B-related neurodevelopmental disorder.

gnomAD v4.1: 1 of 1,594,714 alleles (0.000063%); highest among the groups gnomAD compares: Admixed American, 0.0019%; no homozygotes.

Submission:

Illumina Laboratory Services, Illumina
Classification: Uncertain significance for KMT5B-related neurodevelopmental disorder. Last evaluated: 2019-12-09. Review status: criteria provided, single submitter. Criteria: ICSLVariantClassificationCriteria RUGD 01 April 2020. Collection method: clinical testing. Allele origin: unknown.
Comment: The KMT5B c.1226C>A (p.Thr409Lys) variant is a missense variant. A literature search was performed for the gene, cDNA change, and amino acid change. No publications were found based on this search. The variant is reported at a frequency of 0.000034 in the Latino population of the Genome Aggregation Database in a region of good sequence coverage, so the variant is presumed to be rare. Based on the limited evidence, the p.Thr409Lys variant is classified as a variant of unknown significance for KMT5B-related neurodevelopmental disorder.

NM_017635.5(KMT5B):c.1226C>A (p.Thr409Lys)

Gene: KMT5B (lysine methyltransferase 5B; minus strand). Cytogenetic location: 11q13.2.
Variant type: single nucleotide variant.
Coding change: c.1226C>A on transcript NM_017635.5 (MANE Select); coding-DNA position 1226, C replaced by A.
Protein change: p.Thr409Lys; replaces threonine 409 with lysine.
Molecular consequence: missense variant.
Genome position (GRCh38, 1-based): chr11:68,159,120, G>T on the plus strand (C>A on the coding strand, the complement: KMT5B is on the minus strand). VCF-style: chr11-68159120-G-T. GRCh37 (hg19) VCF-style: chr11-67926587-G-T.
Other names: c.710C>A, p.Thr237Lys (NM_001300907.1, NM_001369428.1, NM_001369429.1 and 4 more transcripts); c.506C>A, p.Thr169Lys (NM_001300908.2); c.1226C>A, p.Thr409Lys (NM_001369426.1); short protein forms T409K, T169K, T237K.
Identifiers: ClinVar variation 973271 (VCV000973271.4), dbSNP rs201298002, ClinGen allele CA381595335.
Genomic context (GRCh38, chr11:68,159,120, plus strand): 5'-AGCTTAGATGAGGTAGAGTTGGAAGAAGCTGGAATTCTTGACATAGATTGCCTCGTTAAC[G>T]TTCTGCTCTTGCTATTCTTTTTTACGCCAACTGAAGATTTTCGGTTAGAAGCTGTAAGGT-3'
Protein context (NP_060105.3, residues 399-419): VGVKKNSKSR[Thr409Lys]LTRQSMSRIP